The following is an entry in ClinVar:

ClinVar aggregate classification (germline): Uncertain significance (1 of 4 stars; one submission).

Conditions:
Ehlers-Danlos syndrome, kyphoscoliotic type 1 (EDSKSCL1). Also called: PLOD1-Related Kyphoscoliotic Ehlers-Danlos Syndrome; EHLERS-DANLOS SYNDROME, TYPE VIA; EHLERS-DANLOS SYNDROME, OCULAR-SCOLIOTIC TYPE; Ehlers-Danlos syndrome, hydroxylysine-deficient. Identifiers: Orphanet 1900, MedGen C0268342, MONDO:0016002, OMIM 225400. Disease mechanism: loss of function.

Submission:

Labcorp Genetics (formerly Invitae), Labcorp
Classification: Uncertain significance for Ehlers-Danlos syndrome, kyphoscoliotic type 1. Last evaluated: 2021-12-11. Review status: criteria provided, single submitter. Criteria: Invitae Variant Classification Sherloc (09022015). Collection method: clinical testing. Allele origin: germline.
Comment: Algorithms developed to predict the effect of missense changes on protein structure and function (SIFT, PolyPhen-2, Align-GVGD) all suggest that this variant is likely to be disruptive. This variant has not been reported in the literature in individuals affected with PLOD1-related conditions. This variant is not present in population databases (gnomAD no frequency). This sequence change replaces tyrosine, which is neutral and polar, with cysteine, which is neutral and slightly polar, at codon 160 of the PLOD1 protein (p.Tyr160Cys). In summary, the available evidence is currently insufficient to determine the role of this variant in disease. Therefore, it has been classified as a Variant of Uncertain Significance.

NM_000302.4(PLOD1):c.479A>G (p.Tyr160Cys)

Gene: PLOD1 (procollagen-lysine,2-oxoglutarate 5-dioxygenase 1; plus strand). Cytogenetic location: 1p36.22.
Variant type: single nucleotide variant.
Coding change: c.479A>G on transcript NM_000302.4 (MANE Select); coding-DNA position 479, A replaced by G.
Protein change: p.Tyr160Cys; replaces tyrosine 160 with cysteine.
Molecular consequence: missense variant.
Genome position (GRCh38, 1-based): chr1:11,952,635, A>G. VCF-style: chr1-11952635-A-G. GRCh37 (hg19) VCF-style: chr1-12012692-A-G.
Other names: c.620A>G, p.Tyr207Cys (NM_001316320.2); short protein forms Y207C, Y160C.
Identifiers: ClinVar variation 2039963 (VCV002039963.4), dbSNP rs1645710988, ClinGen allele CA338428204.